The following is an entry in ClinVar:

NM_001040108.2(MLH3):c.832A>G (p.Ile278Val)

Gene: MLH3 (mutL homolog 3; minus strand). Cytogenetic location: 14q24.3.
Variant type: single nucleotide variant.
Coding change: c.832A>G on transcript NM_001040108.2 (MANE Select); coding-DNA position 832, A replaced by G.
Protein change: p.Ile278Val; replaces isoleucine 278 with valine.
Molecular consequence: missense variant.
Genome position (GRCh38, 1-based): chr14:75,048,824, T>C on the plus strand (A>G on the coding strand, the complement: MLH3 is on the minus strand). VCF-style: chr14-75048824-T-C. GRCh37 (hg19) VCF-style: chr14-75515527-T-C.
Other names: c.832A>G, p.Ile278Val (NM_014381.3); short protein forms I278V.
Identifiers: ClinVar variation 2563537 (VCV002563537.2), dbSNP rs753294129, ClinGen allele CA7275962.

ClinVar aggregate classification (germline): Uncertain significance (1 of 4 stars; one submission).

Allele frequency attached by ClinVar (database versions not stated): gnomAD exomes below 0.00001; TOPMed below 0.00001; ExAC 0.00002.
gnomAD v4.1: 1 of 1,614,178 alleles (0.000062%); highest among the groups gnomAD compares: South Asian, 0.0011%; no homozygotes.

Submission:

Ambry Genetics
Classification: Uncertain significance. Last evaluated: 2023-04-13. Review status: criteria provided, single submitter. Criteria: Ambry Variant Classification Scheme 2023. Collection method: clinical testing. Allele origin: germline.
Comment: The p.I278V variant (also known as c.832A>G), located in coding exon 1 of the MLH3 gene, results from an A to G substitution at nucleotide position 832. The isoleucine at codon 278 is replaced by valine, an amino acid with highly similar properties. This amino acid position is conserved. In addition, this alteration is predicted to be tolerated by in silico analysis. Since supporting evidence is limited at this time, the clinical significance of this alteration remains unclear.